The following is an entry in ClinVar:

ClinVar aggregate classification (germline): Uncertain significance (1 of 4 stars; one submission).

Conditions:
Autoimmune lymphoproliferative syndrome type 1. Also called: AUTOIMMUNE LYMPHOPROLIFERATIVE SYNDROME, TYPE I, AUTOSOMAL DOMINANT. Identifiers: Orphanet 3261, MedGen C2717884, MONDO:0011158, OMIM 601859.

Submission:

Labcorp Genetics (formerly Invitae), Labcorp
Classification: Uncertain significance for Autoimmune lymphoproliferative syndrome. Last evaluated: 2022-05-06. Review status: criteria provided, single submitter. Criteria: Invitae Variant Classification Sherloc (09022015). Collection method: clinical testing. Allele origin: germline.
Comment: In summary, the available evidence is currently insufficient to determine the role of this variant in disease. Therefore, it has been classified as a Variant of Uncertain Significance. Variants that disrupt the consensus splice site are a relatively common cause of aberrant splicing (PMID: 17576681, 9536098). Algorithms developed to predict the effect of sequence changes on RNA splicing suggest that this variant may disrupt the consensus splice site. ClinVar contains an entry for this variant (Variation ID: 1045876). This variant has not been reported in the literature in individuals affected with FAS-related conditions. This variant is not present in population databases (gnomAD no frequency). This sequence change falls in intron 8 of the FAS gene. It does not directly change the encoded amino acid sequence of the FAS protein. It affects a nucleotide within the consensus splice site.

Literature cited by the submitters: PubMed 17576681; PubMed 9536098.

NM_000043.6(FAS):c.676+3A>G

Gene: FAS (Fas cell surface death receptor; plus strand). Cytogenetic location: 10q23.31.
Variant type: single nucleotide variant.
Coding change: c.676+3A>G on transcript NM_000043.6 (MANE Select); 3 bases into the intron after coding-DNA position 676, A replaced by G.
Molecular consequence: intron variant.
Genome position (GRCh38, 1-based): chr10:89,013,370, A>G. VCF-style: chr10-89013370-A-G. GRCh37 (hg19) VCF-style: chr10-90773127-A-G.
Other names: c.652-749A>G (NM_152872.4); c.593+3A>G (NM_001320619.2); c.613+3A>G (NM_152871.4).
Identifiers: ClinVar variation 1045876 (VCV001045876.6), dbSNP rs1848626772, ClinGen allele CA1926638975.